The following is an entry in ClinVar:

ClinVar aggregate classification (germline): Uncertain significance. Review status: criteria provided, multiple submitters, no conflicts (2 of 4 stars). 2 submissions from 2 submitters: Uncertain significance (2). Last evaluated 2023-12-30.

Conditions:
Developmental and epileptic encephalopathy, 42 (DEE42A). Also called: DEVELOPMENTAL AND EPILEPTIC ENCEPHALOPATHY 42A; EPILEPTIC ENCEPHALOPATHY, EARLY INFANTILE, 42A; Epileptic encephalopathy, early infantile, 42. Identifiers: MedGen C4310716, MONDO:0014917, OMIM 617106.
Episodic ataxia type 2 (EA2). Also called: ACETAZOLAMIDE-RESPONSIVE HEREDITARY PAROXYSMAL CEREBELLAR ATAXIA; CEREBELLAR ATAXIA, PAROXYSMAL, ACETAZOLAMIDE-RESPONSIVE; CEREBELLOPATHY, HEREDITARY PAROXYSMAL; EPISODIC ATAXIA, NYSTAGMUS-ASSOCIATED; ATAXIA, EPISODIC, WITH NYSTAGMUS; ATAXIA, FAMILIAL PAROXYSMAL. Identifiers: Orphanet 97, MedGen C1720416, MONDO:0007163, OMIM 108500.

Allele frequency attached by ClinVar (database versions not stated): gnomAD exomes 0.00002.
gnomAD v4.1: 34 of 1,593,596 alleles (0.0021%); highest among the groups gnomAD compares: Non-Finnish European, 0.0028%; no homozygotes.

Submissions (2):

Labcorp Genetics (formerly Invitae), Labcorp
Classification: Uncertain significance for Developmental and epileptic encephalopathy, 42; Episodic ataxia type 2. Last evaluated: 2023-12-30. Review status: criteria provided, single submitter. Criteria: Invitae Variant Classification Sherloc (09022015). Collection method: clinical testing. Allele origin: germline.
Comment: This sequence change replaces alanine, which is neutral and non-polar, with threonine, which is neutral and polar, at codon 869 of the CACNA1A protein (p.Ala869Thr). The frequency data for this variant in the population databases is considered unreliable, as metrics indicate poor data quality at this position in the gnomAD database. This variant has not been reported in the literature in individuals affected with CACNA1A-related conditions. ClinVar contains an entry for this variant (Variation ID: 1700859). Advanced modeling of protein sequence and biophysical properties (such as structural, functional, and spatial information, amino acid conservation, physicochemical variation, residue mobility, and thermodynamic stability) performed at Invitae indicates that this missense variant is not expected to disrupt CACNA1A protein function with a negative predictive value of 95%. In summary, the available evidence is currently insufficient to determine the role of this variant in disease. Therefore, it has been classified as a Variant of Uncertain Significance.

GeneDx
Classification: Uncertain significance. Last evaluated: 2022-02-15. Review status: criteria provided, single submitter. Criteria: GeneDx Variant Classification Process June 2021. Collection method: clinical testing. Allele origin: germline. Affected: yes.
Comment: Not observed at significant frequency in large population cohorts (gnomAD); In silico analysis supports that this missense variant does not alter protein structure/function; Has not been previously published as pathogenic or benign to our knowledge

NM_001127222.2(CACNA1A):c.2602G>A (p.Ala868Thr)

Gene: CACNA1A (calcium voltage-gated channel subunit alpha1 A; minus strand). Cytogenetic location: 19p13.13.
Variant type: single nucleotide variant.
Coding change: c.2602G>A on transcript NM_001127222.2 (MANE Select); coding-DNA position 2602, G replaced by A.
Protein change: p.Ala868Thr; replaces alanine 868 with threonine.
Molecular consequence: missense variant.
Genome position (GRCh38, 1-based): chr19:13,299,031, C>T on the plus strand (G>A on the coding strand, the complement: CACNA1A is on the minus strand). VCF-style: chr19-13299031-C-T. GRCh37 (hg19) VCF-style: chr19-13409845-C-T.
Other names: c.2614G>A, p.Ala872Thr (NM_000068.4, NM_023035.3); c.2605G>A, p.Ala869Thr (NM_001127221.2, NM_001174080.2); short protein forms A868T, A869T, A872T.
Identifiers: ClinVar variation 1700859 (VCV001700859.5), dbSNP rs1175516920, ClinGen allele CA404343094.
Genomic context (GRCh38, chr19:13,299,031, plus strand): 5'-CCTGGCTTCCCGCCCAGGGCCTCCGTGCGTCCAGGCCCGCCGAGCCGCTGGGGTCCCGGG[C>T]CCGATCGTGGTAGCGGGCCTGTTTCCTGAGGAAGTCCTCGGCGCGCTGCTGGCCGAGGCG-3'
Protein context (NP_001120694.1, residues 858-878): LRKQARYHDR[Ala868Thr]RDPSGSAGLD